The following is an entry in ClinVar:

ClinVar aggregate classification (germline): Uncertain significance (1 of 4 stars; one submission).

Conditions:
Tuberous sclerosis 2 (TSC2). Identifiers: Orphanet 805, MedGen C1860707, MONDO:0013199, OMIM 613254.

Submission:

Labcorp Genetics (formerly Invitae), Labcorp
Classification: Uncertain significance for Tuberous sclerosis 2. Last evaluated: 2019-10-15. Review status: criteria provided, single submitter. Criteria: Invitae Variant Classification Sherloc (09022015). Collection method: clinical testing. Allele origin: germline.
Comment: In summary, the available evidence is currently insufficient to determine the role of this variant in disease. Therefore, it has been classified as a Variant of Uncertain Significance. Experimental studies and prediction algorithms are not available for this variant, and the functional significance of the deleted amino acids is currently unknown. This variant has not been reported in the literature in individuals with TSC2-related disease. The frequency data for this variant in the population databases is considered unreliable, as metrics indicate poor data quality at this position in the ExAC database. This variant, c.4347_4355delCCCCCGCTC, results in the deletion of 3 amino acids of the TSC2 protein (p.Arg1451_Pro1453del), but otherwise preserves the integrity of the reading frame.

NM_000548.5(TSC2):c.4347_4355del (p.Arg1451_Pro1453del)

Gene: TSC2 (TSC complex subunit 2; plus strand). Cytogenetic location: 16p13.3.
Variant type: Deletion.
Coding change: c.4347_4355del on transcript NM_000548.5 (MANE Select); coding-DNA positions 4347 to 4355, 9 bases deleted (CCCCCGCTC; older notation c.4347_4355delCCCCCGCTC).
Protein change: p.Arg1451_Pro1453del.
Molecular consequence: inframe deletion.
Genome position (GRCh38, 1-based): chr16:2,084,569-2,084,577, CCCCCGCTC deleted; deleting any 9 consecutive bases within chr16:2,084,565-2,084,577 gives the same sequence; the c. name uses the placement nearest the transcript's 3' end. VCF-style (leftmost placement, unchanged base first): chr16-2084564-AGCTCCCCCC-A. GRCh37 (hg19) VCF-style: chr16-2134565-AGCTCCCCCC-A.
Other names: c.4347_4355del (NM_000548.3); c.4146_4154del, p.Arg1384_Pro1386del (NM_001077183.3); c.4278_4286del, p.Arg1428_Pro1430del (NM_001114382.3); c.4038_4046del, p.Arg1348_Pro1350del (NM_001318827.2); c.4002_4010del, p.Arg1336_Pro1338del (NM_001318829.2); c.3615_3623del, p.Arg1207_Pro1209del (NM_001318831.2); c.4179_4187del, p.Arg1395_Pro1397del (NM_001318832.2); c.4149_4157del, p.Arg1385_Pro1387del (NM_001363528.2); and 2 more.
Identifiers: ClinVar variation 565961 (VCV000565961.10), dbSNP rs781641545, ClinGen allele CA050884.